The following is an entry in ClinVar:

NM_001082971.2(DDC):c.758A>G (p.Asn253Ser)

Gene: DDC (dopa decarboxylase; minus strand). Cytogenetic location: 7p12.1.
Variant type: single nucleotide variant.
Coding change: c.758A>G on transcript NM_001082971.2 (MANE Select); coding-DNA position 758, A replaced by G.
Protein change: p.Asn253Ser; replaces asparagine 253 with serine.
Molecular consequence: missense variant.
Genome position (GRCh38, 1-based): chr7:50,504,016, T>C on the plus strand (A>G on the coding strand, the complement: DDC is on the minus strand). VCF-style: chr7-50504016-T-C. GRCh37 (hg19) VCF-style: chr7-50571714-T-C.
Other names: c.758A>G, p.Asn253Ser (NM_000790.4, NM_001242890.2); c.644A>G, p.Asn215Ser (NM_001242886.2); c.614A>G, p.Asn205Ser (NM_001242887.2); c.524A>G, p.Asn175Ser (NM_001242888.2); c.479A>G, p.Asn160Ser (NM_001242889.2); short protein forms N175S, N215S, N205S, N253S, N160S.
Identifiers: ClinVar variation 1372126 (VCV001372126.5), dbSNP rs761040177, ClinGen allele CA4262263.
Genomic context (GRCh38, chr7:50,504,016, plus strand): 5'-AACATTTTCCAAAAAGAAAATGGAATCGGATACTTACAGATAGGACCGACTTCTAAGAGA[T>C]TGTCAAAGGAGCAGCATGTTGTGGTCCCCAGGGTGGCAACCATCTAGAGGGTAAAAAGCA-3'
Protein context (NP_001076440.2, residues 243-263): LGTTTCCSFD[Asn253Ser]LLEVGPICNK

ClinVar aggregate classification (germline): Uncertain significance (1 of 4 stars; one submission).

Conditions:
Deficiency of aromatic-L-amino-acid decarboxylase. Also called: AADC DEFICIENCY; DDC DEFICIENCY; DOPA DECARBOXYLASE DEFICIENCY; Aromatic L-Amino Acid Decarboxylase Deficiency; Aromatic amino acid decarboxylase deficiency. Identifiers: Orphanet 35708, MedGen C1291564, MONDO:0012084, OMIM 608643.

Allele frequency attached by ClinVar (database versions not stated): ExAC 0.00001; gnomAD exomes 0.00001.
gnomAD v4.1: 10 of 1,613,832 alleles (0.00062%); highest among the groups gnomAD compares: South Asian, 0.0022%; no homozygotes.

Submission:

Labcorp Genetics (formerly Invitae), Labcorp
Classification: Uncertain significance for Deficiency of aromatic-L-amino-acid decarboxylase. Last evaluated: 2022-10-17. Review status: criteria provided, single submitter. Criteria: Invitae Variant Classification Sherloc (09022015). Collection method: clinical testing. Allele origin: germline.
Comment: This sequence change replaces asparagine, which is neutral and polar, with serine, which is neutral and polar, at codon 253 of the DDC protein (p.Asn253Ser). This variant is present in population databases (rs761040177, gnomAD 0.003%). This variant has not been reported in the literature in individuals affected with DDC-related conditions. ClinVar contains an entry for this variant (Variation ID: 1372126). Advanced modeling of protein sequence and biophysical properties (such as structural, functional, and spatial information, amino acid conservation, physicochemical variation, residue mobility, and thermodynamic stability) performed at Invitae indicates that this missense variant is not expected to disrupt DDC protein function. In summary, the available evidence is currently insufficient to determine the role of this variant in disease. Therefore, it has been classified as a Variant of Uncertain Significance.